The following is an entry in ClinVar:

ClinVar aggregate classification (germline): Likely benign (1 of 4 stars; one submission).

Submission:

CeGaT Center for Human Genetics Tuebingen
Classification: Likely benign. Last evaluated: 2026-02-01. Review status: criteria provided, single submitter. Criteria: CeGaT Center For Human Genetics Tuebingen Variant Classification Criteria Version 2. Collection method: clinical testing. Allele origin: germline. Affected: yes. Observed: 1 variant allele.
Comment: PCDHB7: BP4, BP7

NM_018940.4(PCDHB7):c.1701C>T (p.Asn567=)

Genes: PCDHB7 (protocadherin beta 7; plus strand), PCDHB@ (protocadherin beta cluster; plus strand). Cytogenetic location: 5q31.3.
Variant type: single nucleotide variant.
Coding change: c.1701C>T on transcript NM_018940.4 (MANE Select); coding-DNA position 1701, C replaced by T.
Protein change: p.Asn567=; no amino-acid change (asparagine 567 retained).
Molecular consequence: synonymous variant.
Genome position (GRCh38, 1-based): chr5:141,174,536, C>T. VCF-style: chr5-141174536-C-T. GRCh37 (hg19) VCF-style: chr5-140554117-C-T.
Identifiers: ClinVar variation 4820890 (VCV004820890.4).